The following is an entry in ClinVar:

ClinVar aggregate classification (germline): Conflicting classifications of pathogenicity. Review status: criteria provided, conflicting classifications (1 of 4 stars). 3 submissions from 2 submitters: Uncertain significance (2); Likely benign (1). Last evaluated 2026-06-25.

Conditions:
Immunodeficiency 88. Also called: IMMUNODEFICIENCY 88, MYCOBACTERIOSIS, AUTOSOMAL RECESSIVE. Identifiers: MedGen C5562026, MONDO:0030483, OMIM 619630.
Asthma, nasal polyps, and aspirin intolerance. Also called: ASA TRIAD. Identifiers: MedGen C1859648, MONDO:0008834, OMIM 208550.
TBX21-related disorder. Also called: TBX21-related condition.

Allele frequency attached by ClinVar (database versions not stated): 1000 Genomes Project 0.00040; ESP Exome Variant Server 0.00056; 1000 Genomes Project 30x 0.00062; TOPMed 0.00077; gnomAD 0.00089 and 0.00095; gnomAD exomes 0.00112 and 0.00122; ExAC 0.00290.

Submissions (3):

PreventionGenetics, part of Exact Sciences
Classification: Likely benign for TBX21-related condition. Last evaluated: 2026-06-25. Review status: criteria provided, single submitter. Criteria: ACMG Guidelines, 2015. Collection method: clinical testing. Allele origin: germline.
Comment: This variant is classified as likely benign based on ACMG/AMP sequence variant interpretation guidelines (Richards et al. 2015 PMID: 25741868, with internal and published modifications).

Center for Genomics, Ann and Robert H. Lurie Children's Hospital of Chicago
Classification: Uncertain significance for Asthma, nasal polyps, and aspirin intolerance. Last evaluated: 2019-08-15. Review status: criteria provided, single submitter. Criteria: ACMG Guidelines, 2015. Collection method: clinical testing. Allele origin: germline.
Comment: TBX21 NM_013351.1 exon1 p.Ala109Gly (c.326C>G): This variant has not been reported in the literature but is present in 0.1% (32/22742) of South Asian alleles in the Genome Aggregation Database. This variant amino acid Glycine (Gly) is present in two species (Black flying fox, Megabat) and is not well conserved among evolutionarily distant species; this suggests that this variant may not impact the protein. Additional computational prediction tools do not suggest an impact. In summary, data on this variant is insufficient for disease classification. Therefore, the clinical significance of this variant is uncertain.

Center for Genomics, Ann and Robert H. Lurie Children's Hospital of Chicago
Classification: Uncertain significance for Asthma, nasal polyps, and aspirin intolerance; Immunodeficiency 88. Review status: criteria provided, single submitter. Criteria: ACMG Guidelines, 2015. Collection method: clinical testing. Allele origin: germline.
Comment: the same text as in the submission from Center for Genomics, Ann and Robert H. Lurie Children's Hospital of Chicago above.

NM_013351.2(TBX21):c.326C>G (p.Ala109Gly)

Genes: TBX21 (T-box transcription factor 21; plus strand), LOC130061064 (ATAC-STARR-seq lymphoblastoid silent region 8640; plus strand). Cytogenetic location: 17q21.32.
Variant type: single nucleotide variant.
Coding change: c.326C>G on transcript NM_013351.2 (MANE Select); coding-DNA position 326, C replaced by G.
Protein change: p.Ala109Gly; replaces alanine 109 with glycine.
Molecular consequence: missense variant.
Genome position (GRCh38, 1-based): chr17:47,733,780, C>G. VCF-style: chr17-47733780-C-G. GRCh37 (hg19) VCF-style: chr17-45811146-C-G.
Other names: c.326C>G (NM_013351.1); short protein forms A109G.
Identifiers: ClinVar variation 828012 (VCV000828012.4), dbSNP rs377743321, ClinGen allele CA8626246.
Genomic context (GRCh38, chr17:47,733,780, plus strand): 5'-CGGGCGAGTCCTTCCCGCCGCCCGCGGACGCCGAGGGCTACCAGCCGGGCGAGGGCTACG[C>G]CGCCCCGGACCCGCGCGCCGGGCTCTACCCGGGGCCGCGTGAGGACTACGCGCTACCCGC-3'
Protein context (NP_037483.1, residues 99-119): AEGYQPGEGY[Ala109Gly]APDPRAGLYP